The following is an entry in ClinVar:

NM_001080770.2(KIR2DL4):c.606T>A (p.Ser202=)

Gene: KIR2DL4 (killer cell immunoglobulin like receptor, two Ig domains and long cytoplasmic tail 4). Cytogenetic location: 19q13.42.
Variant type: single nucleotide variant.
Coding change: c.606T>A on transcript NM_001080770.2 (MANE Select); coding-DNA position 606, T replaced by A.
Protein change: p.Ser202=; no amino-acid change (serine 202 retained).
Molecular consequence: synonymous variant.
Genome position (GRCh38, 1-based): chr19:54,806,195, T>A. VCF-style: chr19-54806195-T-A. GRCh37 (hg19) VCF-style: chr19-55317650-T-A.
Other names: c.606T>A, p.Ser202= (NM_001080772.2).
Identifiers: ClinVar variation 3250543 (VCV003250543.18), dbSNP rs1201573832.

ClinVar aggregate classification (germline): Likely benign (1 of 4 stars; one submission).

Submission:

CeGaT Center for Human Genetics Tuebingen
Classification: Likely benign. Last evaluated: 2025-03-01. Review status: criteria provided, single submitter. Criteria: CeGaT Center For Human Genetics Tuebingen Variant Classification Criteria Version 2. Collection method: clinical testing. Allele origin: germline. Affected: yes. Observed: 2 variant alleles.
Comment: KIR2DL4: BP4, BP7